The following is an entry in ClinVar:

ClinVar aggregate classification (germline): Pathogenic/Likely pathogenic. Review status: criteria provided, multiple submitters, no conflicts (2 of 4 stars). 2 submissions from 2 submitters: Pathogenic (1); Likely pathogenic (1). Last evaluated 2025-10-15.

Conditions:
Anauxetic dysplasia. Identifiers: Orphanet 93347, MedGen C1846796, MONDO:0011773.
Metaphyseal chondrodysplasia, McKusick type (CHH). Also called: Cartilage-hair hypoplasia; Cartilage-Hair Hypoplasia (CHH). Identifiers: Orphanet 175, MedGen C0220748, MONDO:0009595, OMIM 250250.

Submissions (2):

Natera, Inc.
Classification: Likely pathogenic for Cartilage-hair hypoplasia. Last evaluated: 2025-10-15. Review status: criteria provided, single submitter. Criteria: Natera Variant Classification Schema (03/2026). Collection method: clinical testing. Allele origin: germline.
Comment: The n.-8_-7insTGAAGCTGTGAAGCTG variant in RMRP is an insertion affecting the RMRP promoter region between the TATA box and the transcription initiation site. Other duplications and insertions just upstream of the transcription initiation site have been reported in individuals affected with cartilage-hair hypoplasia (PMID: 11207361, 17937437). This variant is rare in the general population with a frequency below the threshold expected for the associated phenotype(s). Given the available evidence, this variant is classified as Likely pathogenic.

Labcorp Genetics (formerly Invitae), Labcorp
Classification: Pathogenic for Anauxetic dysplasia. Last evaluated: 2022-03-09. Review status: criteria provided, single submitter. Criteria: Invitae Variant Classification Sherloc (09022015). Collection method: clinical testing. Allele origin: germline.
Comment: For these reasons, this variant has been classified as Pathogenic. While this particular variant has not been reported in the literature, it is located in the promoter region between the TATA box and the transcription initiation site, and other insertions and duplications immediately upstream of the coding sequence have been reported in individuals affected with cartilage-hair hypoplasia-anauxetic dysplasia (CHH-AD) spectrum disorders (PMID: 16244706, 11207361, 12107819). Experimental studies and prediction algorithms are not available or were not evaluated, and the functional significance of this variant is currently unknown. While this particular variant has not been reported in the literature, it is located in the promoter region between the TATA box and the transcription initiation site, and other insertions and duplications immediately upstream of the coding sequence have been reported in individuals affected with cartilage-hair hypoplasia-anauxetic dysplasia (CHH-AD) spectrum disorders (PMID: 16244706, 11207361, 12107819). This variant is present in population databases (no rsID available, gnomAD 0.1%). This variant occurs in the RMRP gene, which encodes an RNA molecule that does not result in a protein product.

Literature cited by the submitters: PubMed 11207361 (cited by Natera, Inc. and Labcorp Genetics (formerly Invitae), Labcorp); PubMed 17937437 (cited by Natera, Inc.); PubMed 16244706 (cited by Labcorp Genetics (formerly Invitae), Labcorp); PubMed 12107819 (cited by Labcorp Genetics (formerly Invitae), Labcorp).

NR_003051.3(RMRP):n.-8_-7insTGAAGCTGTGAAGCTG

Gene: RMRP (RNA component of mitochondrial RNA processing endoribonuclease; minus strand). Cytogenetic location: 9p13.3.
Variant type: Microsatellite.
Genome position: GRCh38 VCF-style: chr9-35658025-T-TCAGCTTCACAGCTTCA. GRCh37 (hg19) VCF-style: chr9-35658022-T-TCAGCTTCACAGCTTCA.
Identifiers: ClinVar variation 1919642 (VCV001919642.5), dbSNP rs1230629953, ClinGen allele CA587570213.